The following is an entry in ClinVar:

ClinVar aggregate classification (germline): Uncertain significance (1 of 4 stars; one submission).

Submission:

GeneDx
Classification: Uncertain significance. Last evaluated: 2022-09-26. Review status: criteria provided, single submitter. Criteria: GeneDx Variant Classification Process June 2021. Collection method: clinical testing. Allele origin: germline.
Comment: Not observed at significant frequency in large population cohorts (gnomAD); In silico analysis supports that this missense variant has a deleterious effect on protein structure/function; Has not been previously published as pathogenic or benign to our knowledge; Variants in candidate genes are classified as variants of uncertain significance in accordance with ACMG guidelines (Richards et al., 2015)

NM_014717.3(ZNF536):c.3894T>G (p.Cys1298Trp)

Gene: ZNF536 (zinc finger protein 536; plus strand). Cytogenetic location: 19q12.
Variant type: single nucleotide variant.
Coding change: c.3894T>G on transcript NM_014717.3 (MANE Select); coding-DNA position 3894, T replaced by G.
Protein change: p.Cys1298Trp; replaces cysteine 1298 with tryptophan.
Molecular consequence: missense variant.
Genome position (GRCh38, 1-based): chr19:30,549,513, T>G. VCF-style: chr19-30549513-T-G. GRCh37 (hg19) VCF-style: chr19-31040420-T-G.
Other names: c.3894T>G, p.Cys1298Trp (NM_001352260.2, NM_001376110.1, NM_001376111.1 and 1 more transcripts); short protein forms C1298W.
Identifiers: ClinVar variation 4976622 (VCV004976622.1).